The following is an entry in ClinVar:

NM_000535.7(PMS2):c.2334C>T (p.Phe778=)

Gene: PMS2 (PMS1 homolog 2, mismatch repair system component; minus strand). Cytogenetic location: 7p22.1.
Variant type: single nucleotide variant.
Coding change: c.2334C>T on transcript NM_000535.7 (MANE Select); coding-DNA position 2334, C replaced by T.
Protein change: p.Phe778=; no amino-acid change (phenylalanine 778 retained).
Molecular consequence: synonymous variant. On other transcripts: non-coding transcript variant (1).
Genome position (GRCh38, 1-based): chr7:5,977,699, G>A on the plus strand (C>T on the coding strand, the complement: PMS2 is on the minus strand). VCF-style: chr7-5977699-G-A. GRCh37 (hg19) VCF-style: chr7-6017330-G-A.
Other names: c.1929C>T, p.Phe643= (NM_001322003.2, NM_001322004.2, NM_001322005.2); c.2178C>T, p.Phe726= (NM_001322006.2); c.2016C>T, p.Phe672= (NM_001322007.2, NM_001322008.2); c.1962C>T, p.Phe654= (NM_001322009.2); c.1773C>T, p.Phe591= (NM_001322010.2); c.1401C>T, p.Phe467= (NM_001322011.2, NM_001322012.2); c.1761C>T, p.Phe587= (NM_001322013.2); c.2367C>T, p.Phe789= (NM_001322014.2); and 2 more.
Identifiers: ClinVar variation 379017 (VCV000379017.21), dbSNP rs768674294, ClinGen allele CA047660.

ClinVar aggregate classification (germline): Benign/Likely benign. Review status: criteria provided, multiple submitters, no conflicts (2 of 4 stars). 8 submissions from 8 submitters: Benign (1); Likely benign (6). 1 of the submissions does not count toward it. Last evaluated 2026-01-05.

Conditions:
Hereditary cancer-predisposing syndrome. Also called: Tumor predisposition; Hereditary neoplastic syndrome; Neoplastic Syndromes, Hereditary; Hereditary Cancer Syndrome. Identifiers: Orphanet 140162, MedGen C0027672, MeSH D009386, MONDO:0015356.
Hereditary nonpolyposis colorectal neoplasms. Identifiers: MedGen C0009405, MeSH D003123.
Lynch syndrome 4 (LYNCH4). Also called: Colorectal cancer, hereditary nonpolyposis, type 4; Hereditary non-polyposis colorectal cancer, type 4. Identifiers: Orphanet 144, MedGen C1838333, MONDO:0013699, OMIM 614337. Disease mechanism: loss of function.
Malignant tumor of breast. Also called: Malignant breast neoplasm; Cancer breast. Identifiers: MedGen C0006142, MONDO:0007254. Disease mechanism: loss of function.

Allele frequency attached by ClinVar (database versions not stated): TOPMed 0.00001; ExAC 0.00002; gnomAD 0.00004 and 0.00005; gnomAD exomes 0.00004.

Submissions (8):

Labcorp Genetics (formerly Invitae), Labcorp
Classification: Likely benign for Hereditary nonpolyposis colorectal neoplasms. Last evaluated: 2026-01-05. Review status: criteria provided, single submitter. Criteria: Invitae Variant Classification Sherloc (09022015). Collection method: clinical testing. Allele origin: germline.

Myriad Genetics, Inc.
Classification: Benign for Lynch syndrome 4. Last evaluated: 2025-02-04. Review status: criteria provided, single submitter. Criteria: Myriad Autosomal Dominant, Autosomal Recessive and X-Linked Classification Criteria (2023). Collection method: clinical testing. Allele origin: unknown.
Comment: This variant is considered benign. This variant is a silent/synonymous amino acid change and it is not expected to impact splicing.

Women's Health and Genetics/Laboratory Corporation of America, LabCorp
Classification: Likely benign. Last evaluated: 2024-11-06. Review status: criteria provided, single submitter. Criteria: LabCorp Variant Classification Summary - May 2015. Collection method: clinical testing. Allele origin: germline.

Color Diagnostics, LLC DBA Color Health
Classification: Likely benign for Hereditary cancer-predisposing syndrome. Last evaluated: 2023-03-27. Review status: criteria provided, single submitter. Criteria: ACMG Guidelines, 2015. Collection method: clinical testing. Allele origin: germline.

Quest Diagnostics Nichols Institute San Juan Capistrano
Classification: Likely benign. Last evaluated: 2022-09-10. Review status: criteria provided, single submitter. Criteria: Quest Diagnostics criteria. Collection method: clinical testing. Allele origin: unknown.

GeneDx
Classification: Likely benign. Last evaluated: 2017-06-11. Review status: criteria provided, single submitter. Criteria: GeneDx Variant Classification (06012015). Collection method: clinical testing. Allele origin: germline. Affected: yes.
Comment: This variant is considered likely benign or benign based on one or more of the following criteria: it is a conservative change, it occurs at a poorly conserved position in the protein, it is predicted to be benign by multiple in silico algorithms, and/or has population frequency not consistent with disease.

Ambry Genetics
Classification: Likely benign for Hereditary cancer-predisposing syndrome. Last evaluated: 2016-09-22. Review status: criteria provided, single submitter. Criteria: Ambry Variant Classification Scheme 2023. Collection method: clinical testing. Allele origin: germline.

Department of Pathology and Laboratory Medicine, Sinai Health System
Classification: Likely benign for Malignant tumor of breast. Review status: no assertion criteria provided. Collection method: clinical testing. Allele origin: unknown. Affected: yes. Observed: 1 variant allele. Study: The Canadian Open Genetics Repository (COGR). Not counted in ClinVar's aggregate classification.
Comment: The PMS2 p.Phe778= variant was not identified in the literature, nor was it identified in the following databases: COGR, Cosmic, Zhejiang University Database, Mismatch Repair Genes Variant Database, MMR Gene Unclassified Variants Database, or Insight Hereditary Tumors database. The variant was identified in dbSNP (ID: rs768674294) as "With Likely benign allele", ClinVar (classified as likely benign by GeneDx, Ambry Genetics), and Clinvitae, databases. The variant was identified in control databases in 8 of 244988 chromosomes at a frequency of 0.00003 (Genome Aggregation Database Feb 27, 2017). It was observed in the following populations: Latino in 3 of 33564 chromosomes (freq: 0.0001), European in 2 of 110826 chromosomes (freq: 0.00002), and South Asian in 3 of 30682 chromosomes (freq: 0.0001); it was not observed in the African, Other, Ashkenazi Jewish, East Asian, or Finnish populations. The p.Phe778= variant is not expected to have clinical significance because it does not result in a change of amino acid and is not located in a known consensus splice site. In addition, in silico or computational prediction software programs (SpliceSiteFinder, MaxEntScan, NNSPLICE, GeneSplicer, HumanSpliceFinder) do not predict a difference in splicing. In summary, based on the above information the clinical significance of this variant cannot be determined with certainty at this time although we would lean towards a more benign role for this variant. This variant is classified as likely benign.